The following is an entry in ClinVar:

NM_020937.4(FANCM):c.1871G>A (p.Arg624Lys)

Gene: FANCM (FA complementation group M; plus strand). Cytogenetic location: 14q21.2.
Variant type: single nucleotide variant.
Coding change: c.1871G>A on transcript NM_020937.4 (MANE Select); coding-DNA position 1871, G replaced by A.
Protein change: p.Arg624Lys; replaces arginine 624 with lysine.
Molecular consequence: missense variant.
Genome position (GRCh38, 1-based): chr14:45,167,032, G>A. VCF-style: chr14-45167032-G-A. GRCh37 (hg19) VCF-style: chr14-45636235-G-A.
Other names: c.1793G>A, p.Arg598Lys (NM_001308133.2); c.1871G>A, p.Arg624Lys (NM_001308134.2); short protein forms R624K, R598K.
Identifiers: ClinVar variation 2717741 (VCV002717741.4), dbSNP rs752201784, ClinGen allele CA7169175.

ClinVar aggregate classification (germline): Uncertain significance. Review status: criteria provided, multiple submitters, no conflicts (2 of 4 stars). 2 submissions from 2 submitters: Uncertain significance (2). Last evaluated 2025-03-29.

Conditions:
Inborn genetic diseases. Identifiers: MedGen C0950123, MeSH D030342.
Fanconi anemia (FA). Also called: Fanconi's anemia. Identifiers: Orphanet 84, MedGen C0015625, MeSH D005199, MONDO:0019391.

Allele frequency attached by ClinVar (database versions not stated): ExAC 0.00001; gnomAD exomes 0.00001.
gnomAD v4.1: 11 of 1,611,752 alleles (0.00068%); highest among the groups gnomAD compares: Non-Finnish European, 0.00093%; no homozygotes.

Submissions (2):

Ambry Genetics
Classification: Uncertain significance for Inborn genetic diseases. Last evaluated: 2025-03-29. Review status: criteria provided, single submitter. Criteria: Ambry Variant Classification Scheme 2023. Collection method: clinical testing. Allele origin: germline.
Comment: The p.R624K variant (also known as c.1871G>A), located in coding exon 11 of the FANCM gene, results from a G to A substitution at nucleotide position 1871. The arginine at codon 624 is replaced by lysine, an amino acid with highly similar properties. This amino acid position is conserved. In addition, this alteration is predicted to be tolerated by in silico analysis. Based on the available evidence, the clinical significance of this variant remains unclear.

Labcorp Genetics (formerly Invitae), Labcorp
Classification: Uncertain significance for Fanconi anemia. Last evaluated: 2023-05-09. Review status: criteria provided, single submitter. Criteria: Invitae Variant Classification Sherloc (09022015). Collection method: clinical testing. Allele origin: germline.
Comment: This sequence change replaces arginine, which is basic and polar, with lysine, which is basic and polar, at codon 624 of the FANCM protein (p.Arg624Lys). This variant is present in population databases (rs752201784, gnomAD 0.0009%). This variant has not been reported in the literature in individuals affected with FANCM-related conditions. An algorithm developed to predict the effect of missense changes on protein structure and function (PolyPhen-2) suggests that this variant is likely to be tolerated. In summary, the available evidence is currently insufficient to determine the role of this variant in disease. Therefore, it has been classified as a Variant of Uncertain Significance.